The following is an entry in ClinVar:

ClinVar aggregate classification (germline): Conflicting classifications of pathogenicity. Review status: criteria provided, conflicting classifications (1 of 4 stars). 7 submissions from 7 submitters: Pathogenic (3); Likely pathogenic (3); Uncertain significance (1). Last evaluated 2026-01-08.

Conditions:
CASR-related disorder. Also called: CASR-related condition.
Autosomal dominant hypocalcemia 1 (HYPOC1). Also called: HYPOCALCEMIA, FAMILIAL. Identifiers: MedGen C3715128, MONDO:0011013, OMIM 601198.
Familial hypocalciuric hypercalcemia (FHH). Also called: Familial benign hypercalcemia. Identifiers: Orphanet 405, MedGen C1809471, MONDO:0018458.
Familial hypocalciuric hypercalcemia 1. Also called: Hypercalcemia, familial benign type 1. Identifiers: Orphanet 405, Orphanet 93372, MedGen C0342637, MONDO:0007791, OMIM 145980.
Familial hyperparathyroidism or Hypocalciuric hypercalcaemia.

gnomAD v4.1: 2 of 1,613,710 alleles (0.00012%); highest among the groups gnomAD compares: Non-Finnish European, 0.00017%; no homozygotes.

Submissions (7):

Cambridge Genomics Laboratory, East Genomic Laboratory Hub, NHS Genomic Medicine Service
Classification: Likely pathogenic for Familial hyperparathyroidism or Hypocalciuric hypercalcaemia. Last evaluated: 2026-01-08. Review status: criteria provided, single submitter. Criteria: ACGS Best Practice Guidelines for Variant Classification in Rare Disease 2020. Collection method: clinical testing. Allele origin: germline. Affected: yes.
Comment: PS3_Supporting,PS4_Moderate,PM2,PM5_Supporting,PP3

Women's Health and Genetics/Laboratory Corporation of America, LabCorp
Classification: Pathogenic for Familial hypocalciuric hypercalcemia. Last evaluated: 2023-07-24. Review status: criteria provided, single submitter. Criteria: LabCorp Variant Classification Summary - May 2015. Collection method: clinical testing. Allele origin: germline.
Comment: Variant summary: CASR c.2243C>G (p.Pro748Arg) results in a non-conservative amino acid change located in the GPCR family 3, C-terminal domain (IPR017978) of the encoded protein sequence. Five of five in-silico tools predict a damaging effect of the variant on protein function. The variant was absent in 250768 control chromosomes. c.2243C>G has been reported in the literature in multiple individuals affected with Familial Hypocalciuric Hypercalcemia (example, Heath_1996, Hannan_2012, Eldeiry_2012, Vargas-Poussou_2016, Arshad_2021) at-least one of these reports included an individual affected with Familial Hypocalciuric Hypercalcemia (FHH) and Primary Hyperparathyroidism (Eldeiry_2012). These data indicate that the variant is very likely to be associated with disease. At least one publication reports experimental evidence evaluating an impact on protein function (example, White__2009). The most pronounced variant effect results in impaired localization to plasma membrane and not trafficked to Golgi. The following publications have been ascertained in the context of this evaluation (PMID: 32892159, 22232026, 22422767, 8636323, 11013439, 17979873, 23372019, 11762699, 26963950, 19389809). Three submitters have cited clinical-significance assessments for this variant to ClinVar after 2014 (LP, n=2; VUS, n=1). Based on the evidence outlined above, the variant was classified as pathogenic.

Genetics and Molecular Pathology, SA Pathology
Classification: Pathogenic for Familial hypocalciuric hypercalcemia 1. Last evaluated: 2023-07-19. Review status: criteria provided, single submitter. Criteria: ACMG Guidelines, 2015. Collection method: clinical testing. Allele origin: germline. Inheritance: Autosomal dominant inheritance. Affected: yes.
Comment: The CASR c.2243C>G variant is classified as Pathogenic (PS4_Moderate, PS3, PM2, PP3, PP1_Moderate) The CASR c.2243C>G variant is a single nucleotide change in exon 7/7 of the CASR gene, which is predicted to change the amino acid proline at position 748 in the protein to arginine. This variant is absent from population databases (PM2). It has been reported in the literature to segregate with disease in a family affected by FHH (PMID: 8636323) (PP1_Moderate) and has been detected in two unrelated individuals affected by FHH and PHPT (PMID: 22232026, 3237971) (PS4_Moderate). Functional studies suggest a detrimental effect on CASR protein function (PMID: 19389809, PMID: 22798347) and has been shown to alter binding affinity of allosteric modulators (PMID: 23372019) (PS3). Two other missense changes at codon 748 have also been reported in the literature in association with FHH (PMID: 19073830, 22422767). Computational predictions (REVEL = 0.951) support a deleterious effect on the gene or gene product (PP3). The variant has been reported in dbSNP (rs193922433) and in the HGMD database: CM962443. It has been reported as VUS and Likely pathogenic by other diagnostic laboratories (ClinVar Variation ID: 936871).

Athena Diagnostics
Classification: Likely pathogenic. Last evaluated: 2019-12-30. Review status: criteria provided, single submitter. Criteria: Athena Diagnostics Criteria. Collection method: clinical testing. Allele origin: unknown.
Comment: Not found in the total gnomAD dataset, and the data is high quality. Found in at least one patient with expected phenotype for this gene. Predicted to have a damaging effect on the protein. Assessment of experimental evidence suggests this variant results in abnormal protein function.

Labcorp Genetics (formerly Invitae), Labcorp
Classification: Uncertain significance for Familial hypocalciuric hypercalcemia; Hypocalcemia, autosomal dominant 1. Last evaluated: 2019-09-09. Review status: criteria provided, single submitter. Criteria: Invitae Variant Classification Sherloc (09022015). Collection method: clinical testing. Allele origin: germline.
Comment: This sequence change replaces proline with arginine at codon 748 of the CASR protein (p.Pro748Arg). The proline residue is highly conserved and there is a moderate physicochemical difference between proline and arginine. This variant is not present in population databases (ExAC no frequency). This variant has been observed in several families affected with familial hypocalciuric hypercalcemia and to segregate with disease in a family (PMID: 8636323, 26963950). This variant has also been observed in an individual affected with familial hypocalciuric hypercalcemia and primary hyperparathyroidism (PMID: 22232026). This variant has been reported to affect CASR protein function (PMID: 19389809, 22798347, 23372019). In summary, the available evidence is currently insufficient to determine the role of this variant in disease. Therefore, it has been classified as a Variant of Uncertain Significance.

Blueprint Genetics
Classification: Pathogenic for CASR-related disorders. Last evaluated: 2019-07-25. Review status: criteria provided, single submitter. Criteria: ACMG Guidelines, 2015. Collection method: clinical testing. Allele origin: germline. Affected: yes. Observed: 2 variant alleles.

Clinical Genetics Service, Universitary Hospital 12 de Octubre
Classification: Likely pathogenic for Familial hypocalciuric hypercalcemia 1. Review status: criteria provided, single submitter. Criteria: ACMG Guidelines, 2015. Collection method: clinical testing. Allele origin: germline. Affected: yes.

Literature cited by the submitters: PubMed 11762699 (cited by Women's Health and Genetics/Laboratory Corporation of America, LabCorp); PubMed 11013439 (cited by Women's Health and Genetics/Laboratory Corporation of America, LabCorp); PubMed 8636323 (cited by 4 submitters); PubMed 17979873 (cited by Women's Health and Genetics/Laboratory Corporation of America, LabCorp); PubMed 19389809 (cited by 3 submitters); PubMed 26963950 (cited by Women's Health and Genetics/Laboratory Corporation of America, LabCorp and Labcorp Genetics (formerly Invitae), Labcorp); PubMed 22422767 (cited by Women's Health and Genetics/Laboratory Corporation of America, LabCorp and Genetics and Molecular Pathology, SA Pathology); PubMed 32892159 (cited by Women's Health and Genetics/Laboratory Corporation of America, LabCorp); PubMed 22232026 (cited by 4 submitters); PubMed 23372019 (cited by 3 submitters); PubMed 3237971 (cited by Genetics and Molecular Pathology, SA Pathology); PubMed 19073830 (cited by Genetics and Molecular Pathology, SA Pathology); PubMed 22798347 (cited by 3 submitters).

NM_000388.4(CASR):c.2243C>G (p.Pro748Arg)

Gene: CASR (calcium sensing receptor; plus strand). Cytogenetic location: 3q21.1.
Variant type: single nucleotide variant.
Coding change: c.2243C>G on transcript NM_000388.4 (MANE Select); coding-DNA position 2243, C replaced by G.
Protein change: p.Pro748Arg; replaces proline 748 with arginine.
Molecular consequence: missense variant.
Genome position (GRCh38, 1-based): chr3:122,284,197, C>G. VCF-style: chr3-122284197-C-G. GRCh37 (hg19) VCF-style: chr3-122003044-C-G.
Other names: c.2273C>G, p.Pro758Arg (NM_001178065.2); c.2273C>G (NM_001178065.1); short protein forms P748R, P758R.
Identifiers: ClinVar variation 936871 (VCV000936871.9), dbSNP rs193922433, ClinGen allele CA354159168.